The following is an entry in ClinVar:

ClinVar aggregate classification (germline): Uncertain significance (1 of 4 stars; one submission).

Conditions:
Cardiovascular phenotype. Identifiers: MedGen CN230736.

gnomAD v4.1: 1 of 1,614,102 alleles (0.000062%); highest among the groups gnomAD compares: Non-Finnish European, 0.000085%; no homozygotes.

Submission:

Ambry Genetics
Classification: Uncertain significance for Cardiovascular phenotype. Last evaluated: 2024-11-05. Review status: criteria provided, single submitter. Criteria: Ambry Variant Classification Scheme 2023. Collection method: clinical testing. Allele origin: germline.
Comment: The p.P195R variant (also known as c.584C>G), located in coding exon 1 of the LOX gene, results from a C to G substitution at nucleotide position 584. The proline at codon 195 is replaced by arginine, an amino acid with dissimilar properties. This amino acid position is conserved. In addition, this alteration is predicted to be tolerated by in silico analysis. Based on the available evidence, the clinical significance of this variant remains unclear.

NM_002317.7(LOX):c.584C>G (p.Pro195Arg)

Genes: LOX (lysyl oxidase; minus strand), SRFBP1 (serum response factor binding protein 1; plus strand). Cytogenetic location: 5q23.1.
Variant type: single nucleotide variant.
Coding change: c.584C>G on transcript NM_002317.7 (MANE Select); coding-DNA position 584, C replaced by G.
Protein change: p.Pro195Arg; replaces proline 195 with arginine.
Molecular consequence: missense variant.
Genome position (GRCh38, 1-based): chr5:122,077,402, G>C on the plus strand (C>G on the coding strand, the complement: LOX is on the minus strand). VCF-style: chr5-122077402-G-C. GRCh37 (hg19) VCF-style: chr5-121413097-G-C.
Other names: short protein forms P195R.
Identifiers: ClinVar variation 3539001 (VCV003539001.1).
Genomic context (GRCh38, chr5:122,077,402, plus strand): 5'-TGGGGGTACTTACCGTACTGGAAGTAGCCAGTGCCGTATCCGGGCCGGTACCTGCCCCCA[G>C]GTCTGGGCCTTTCATAAGTATCGTAGTAGTTGTAATAAGGGTTGTCGTCAGAGTACTTGT-3'
Protein context (NP_002308.2, residues 185-205): NYYDTYERPR[Pro195Arg]GGRYRPGYGT